The following is an entry in ClinVar:

NM_000428.3(LTBP2):c.5179G>A (p.Ala1727Thr)

Gene: LTBP2 (latent transforming growth factor beta binding protein 2; minus strand). Cytogenetic location: 14q24.3.
Variant type: single nucleotide variant.
Coding change: c.5179G>A on transcript NM_000428.3 (MANE Select); coding-DNA position 5179, G replaced by A.
Protein change: p.Ala1727Thr; replaces alanine 1727 with threonine.
Molecular consequence: missense variant.
Genome position (GRCh38, 1-based): chr14:74,501,582, C>T on the plus strand (G>A on the coding strand, the complement: LTBP2 is on the minus strand). VCF-style: chr14-74501582-C-T. GRCh37 (hg19) VCF-style: chr14-74968285-C-T.
Other names: short protein forms A1727T.
Identifiers: ClinVar variation 1450239 (VCV001450239.6), dbSNP rs377616549, ClinGen allele CA7268488.

ClinVar aggregate classification (germline): Uncertain significance (1 of 4 stars; one submission).

Allele frequency attached by ClinVar (database versions not stated): ExAC 0.00001; gnomAD 0.00001; gnomAD exomes 0.00002; TOPMed 0.00002; ESP Exome Variant Server 0.00008.
gnomAD v4.1: 33 of 1,614,032 alleles (0.002%); highest among the groups gnomAD compares: Non-Finnish European, 0.0027%; no homozygotes.

Submission:

Labcorp Genetics (formerly Invitae), Labcorp
Classification: Uncertain significance. Last evaluated: 2023-08-23. Review status: criteria provided, single submitter. Criteria: Invitae Variant Classification Sherloc (09022015). Collection method: clinical testing. Allele origin: germline.
Comment: This sequence change replaces alanine, which is neutral and non-polar, with threonine, which is neutral and polar, at codon 1727 of the LTBP2 protein (p.Ala1727Thr). This variant is present in population databases (rs377616549, gnomAD 0.002%). This variant has not been reported in the literature in individuals affected with LTBP2-related conditions. ClinVar contains an entry for this variant (Variation ID: 1450239). An algorithm developed to predict the effect of missense changes on protein structure and function (PolyPhen-2) suggests that this variant is likely to be disruptive. In summary, the available evidence is currently insufficient to determine the role of this variant in disease. Therefore, it has been classified as a Variant of Uncertain Significance.